The following is an entry in ClinVar:

ClinVar aggregate classification (germline): Uncertain significance (1 of 4 stars; one submission).

Submission:

GeneDx
Classification: Uncertain significance. Last evaluated: 2025-07-03. Review status: criteria provided, single submitter. Criteria: GeneDx Variant Classification Process June 2021. Collection method: clinical testing. Allele origin: germline. Affected: yes.
Comment: In silico analysis suggests that this missense variant does not alter protein structure/function; Not observed at significant frequency in large population cohorts (gnomAD); This variant is associated with the following publications: (PMID: 35741772)

NM_004586.3(RPS6KA3):c.61A>G (p.Ser21Gly)

Genes: RPS6KA3 (ribosomal protein S6 kinase A3; minus strand), LOC130068032 (ATAC-STARR-seq lymphoblastoid silent region 20696; plus strand). Cytogenetic location: Xp22.12.
Variant type: single nucleotide variant.
Coding change: c.61A>G on transcript NM_004586.3 (MANE Select); coding-DNA position 61, A replaced by G.
Protein change: p.Ser21Gly; replaces serine 21 with glycine.
Molecular consequence: missense variant. On other transcripts: intron variant (1).
Genome position (GRCh38, 1-based): chrX:20,266,572, T>C on the plus strand (A>G on the coding strand, the complement: RPS6KA3 is on the minus strand). VCF-style: chrX-20266572-T-C. GRCh37 (hg19) VCF-style: chrX-20284690-T-C.
Other names: c.-16+467A>G (NM_001438340.1); short protein forms S21G.
Identifiers: ClinVar variation 4680877 (VCV004680877.1).
Genomic context (GRCh38, chrX:20,266,572, plus strand): 5'-GCGGGGGCGCGAGGAGGAGATGCGCCGGCCCCGGCCGCCCTGCTGCACTCACCTCAGCGC[T>C]GTCGGACGGGCTCTCCACAGCCATCTTCTGCCACGGGTCCGCCAGCTGCGCCAGCGGCAT-3'
Protein context (NP_004577.1, residues 11-31): QKMAVESPSD[Ser21Gly]AENGQQIMDE